The following is an entry in ClinVar:

ClinVar aggregate classification (germline): Uncertain significance (1 of 4 stars; one submission).

Submission:

GeneDx
Classification: Uncertain significance. Last evaluated: 2023-05-26. Review status: criteria provided, single submitter. Criteria: GeneDx Variant Classification Process June 2021. Collection method: clinical testing. Allele origin: germline. Affected: yes.
Comment: Not observed at significant frequency in large population cohorts (gnomAD); In silico analysis supports that this missense variant does not alter protein structure/function; Has not been previously published as pathogenic or benign to our knowledge

NM_006005.3(WFS1):c.1441C>G (p.Leu481Val)

Gene: WFS1 (wolframin ER transmembrane glycoprotein; plus strand). Cytogenetic location: 4p16.1.
Variant type: single nucleotide variant.
Coding change: c.1441C>G on transcript NM_006005.3 (MANE Select); coding-DNA position 1441, C replaced by G.
Protein change: p.Leu481Val; replaces leucine 481 with valine.
Molecular consequence: missense variant.
Genome position (GRCh38, 1-based): chr4:6,301,236, C>G. VCF-style: chr4-6301236-C-G. GRCh37 (hg19) VCF-style: chr4-6302963-C-G.
Other names: c.1441C>G, p.Leu481Val (NM_001145853.1); short protein forms L481V.
Identifiers: ClinVar variation 3361978 (VCV003361978.1).
Genomic context (GRCh38, chr4:6,301,236, plus strand): 5'-ACCGAGGTCACCGCCGGCCTGCTATCGCTGCTGCCCTCCATGCCCTTGAATTGGCCCTAC[C>G]TGAAGGTCCTTGGCCAGACCTTCATCACCGTGCCTGTCGGCCACCTGGTCGTCCTCAACG-3'
Protein context (NP_005996.2, residues 471-491): LPSMPLNWPY[Leu481Val]KVLGQTFITV